The following is an entry in ClinVar:

ClinVar aggregate classification (germline): Benign/Likely benign. Review status: criteria provided, multiple submitters, no conflicts (2 of 4 stars). 3 submissions from 3 submitters: Benign (1); Likely benign (2). Last evaluated 2026-05-05.

Conditions:
Colorectal cancer, hereditary nonpolyposis, type 7. Identifiers: Orphanet 144, MedGen C1858380, MONDO:0013725, OMIM 614385.

Allele frequency attached by ClinVar (database versions not stated): TOPMed 0.00001; ExAC 0.00001; gnomAD 0.00002 and 0.00001.

Submissions (3):

Myriad Genetics, Inc.
Classification: Benign for Colorectal cancer, hereditary nonpolyposis, type 7. Last evaluated: 2026-05-05. Review status: criteria provided, single submitter. Criteria: Myriad Autosomal Dominant, Autosomal Recessive and X-Linked Classification Criteria (2023). Collection method: clinical testing. Allele origin: unknown.
Comment: This variant is considered benign. This variant is a silent/synonymous amino acid change and it is not expected to impact splicing.

Labcorp Genetics (formerly Invitae), Labcorp
Classification: Likely benign for Colorectal cancer, hereditary nonpolyposis, type 7. Last evaluated: 2024-11-26. Review status: criteria provided, single submitter. Criteria: Invitae Variant Classification Sherloc (09022015). Collection method: clinical testing. Allele origin: germline.

Ambry Genetics
Classification: Likely benign. Last evaluated: 2022-10-15. Review status: criteria provided, single submitter. Criteria: Ambry Variant Classification Scheme 2023. Collection method: clinical testing. Allele origin: germline.

NM_001040108.2(MLH3):c.2940C>T (p.Thr980=)

Gene: MLH3 (mutL homolog 3; minus strand). Cytogenetic location: 14q24.3.
Variant type: single nucleotide variant.
Coding change: c.2940C>T on transcript NM_001040108.2 (MANE Select); coding-DNA position 2940, C replaced by T.
Protein change: p.Thr980=; no amino-acid change (threonine 980 retained).
Molecular consequence: synonymous variant.
Genome position (GRCh38, 1-based): chr14:75,046,716, G>A on the plus strand (C>T on the coding strand, the complement: MLH3 is on the minus strand). VCF-style: chr14-75046716-G-A. GRCh37 (hg19) VCF-style: chr14-75513419-G-A.
Other names: c.2940C>T, p.Thr980= (NM_014381.3).
Identifiers: ClinVar variation 416457 (VCV000416457.12), dbSNP rs750994816, ClinGen allele CA7275610.